The following is an entry in ClinVar:

ClinVar aggregate classification (germline): Pathogenic. Review status: criteria provided, multiple submitters, no conflicts (2 of 4 stars). 2 submissions from 2 submitters: Pathogenic (2). Last evaluated 2024-11-19.

Conditions:
Inborn genetic diseases. Identifiers: MedGen C0950123, MeSH D030342.

Submissions (2):

GeneDx
Classification: Pathogenic. Last evaluated: 2024-11-19. Review status: criteria provided, single submitter. Criteria: GeneDx Variant Classification Process June 2021. Collection method: clinical testing. Allele origin: germline. Affected: yes.
Comment: Nonsense variant predicted to result in protein truncation, as the last 723 amino acids are lost, and other loss-of-function variants have been reported downstream in HGMD; Not observed at significant frequency in large population cohorts (gnomAD); Has not been previously published as pathogenic or benign to our knowledge

Ambry Genetics
Classification: Pathogenic for Inborn genetic diseases. Last evaluated: 2024-07-22. Review status: criteria provided, single submitter. Criteria: Ambry Variant Classification Scheme 2023. Collection method: clinical testing. Allele origin: germline.
Comment: The c.6001C>T (p.R2001*) alteration, located in exon 8 (coding exon 8) of the ZNF292 gene, consists of a C to T substitution at nucleotide position 6001. This changes the amino acid from a arginine (R) to a stop codon at amino acid position 2001. This alteration occurs at the 3' terminus of the ZNF292 gene, is not expected to trigger nonsense-mediated mRNA decay, and only impacts the last 26% of the protein. However, premature stop codons are typically deleterious in nature, the impacted region is critical for protein function, and a significant portion of the protein is affected (Ambry internal data). This variant was not reported in population-based cohorts in the Genome Aggregation Database (gnomAD). Based on the available evidence, this alteration is classified as pathogenic.

NM_015021.3(ZNF292):c.6001C>T (p.Arg2001Ter)

Gene: ZNF292 (zinc finger protein 292; plus strand). Cytogenetic location: 6q14.3.
Variant type: single nucleotide variant.
Coding change: c.6001C>T on transcript NM_015021.3 (MANE Select); coding-DNA position 6001, C replaced by T.
Protein change: p.Arg2001Ter; replaces arginine 2001 with a stop codon.
Molecular consequence: nonsense.
Genome position (GRCh38, 1-based): chr6:87,259,630, C>T. VCF-style: chr6-87259630-C-T. GRCh37 (hg19) VCF-style: chr6-87969348-C-T.
Other names: c.5581C>T, p.Arg1861Ter (NM_001351444.2); short protein forms R1861*, R2001*.
Identifiers: ClinVar variation 3378028 (VCV003378028.2).
Genomic context (GRCh38, chr6:87,259,630, plus strand): 5'-AAGTTAAAAATTAAAAGGCCTTATGGAAGAAAATCTCAGAGTGAAAATGTGCCGGCCTCA[C>T]GAAGTACACAAGTGAAAAAACAGCTAGCTATGACAGAGGAAAATAAAAAGGAATCTCAGC-3'